The following is an entry in ClinVar:

ClinVar aggregate classification (germline): Likely pathogenic (1 of 4 stars; one submission).

Conditions:
Intellectual disability-microcephaly-strabismus-behavioral abnormalities syndrome. Also called: White-Sutton Syndrome. Identifiers: Orphanet 468678, MedGen C4225351, MONDO:0014606, OMIM 616364.

Submission:

Clinical Genomics Laboratory, Washington University in St. Louis
Classification: Likely pathogenic for Intellectual disability-microcephaly-strabismus-behavioral abnormalities syndrome. Last evaluated: 2024-03-24. Review status: criteria provided, single submitter. Criteria: ACMG Guidelines, 2015. Collection method: clinical testing. Allele origin: germline. Affected: yes.
Comment: The POGZ c.1215_1216dup (p.Lys406Argfs*65) variant, to our knowledge, has not been reported in the medical literature or is in the ClinVar database. This variant is absent from the general population (gnomAD v.2.1.1), indicating it is not a common variant. This variant causes a frameshift by inserting two nucleotides, leading to a premature termination codon, which is predicted to lead to nonsense mediated decay. Based on available information and the ACMG/AMP guidelines for variant interpretation (Richards S et al., PMID: 25741868), this variant is classified as likely pathogenic.

NM_015100.4(POGZ):c.1215_1216dup (p.Lys406fs)

Gene: POGZ (pogo transposable element derived with ZNF domain; minus strand). Cytogenetic location: 1q21.3.
Variant type: Duplication.
Coding change: c.1215_1216dup on transcript NM_015100.4 (MANE Select); coding-DNA positions 1215 to 1216, 2 bases duplicated (GA; older notation c.1215_1216dupGA).
Protein change: p.Lys406fs; shifts the reading frame from lysine 406.
Molecular consequence: frameshift variant.
Genome position (GRCh38, 1-based): chr1:151,424,256-151,424,257, TC duplicated on the plus strand (GA on the coding strand, the reverse complement: POGZ is on the minus strand); duplicating any 2 consecutive bases within chr1:151,424,256-151,424,258 gives the same sequence; the c. name uses the placement nearest the transcript's 3' end. VCF-style (leftmost placement, unchanged base first): chr1-151424255-T-TTC. GRCh37 (hg19) VCF-style: chr1-151396731-T-TTC.
Other names: c.1188_1189dup, p.Lys397fs (NM_001194937.2); c.1029_1030dup, p.Lys344fs (NM_001194938.2); c.1236_1237dup, p.Lys413fs (NM_001410860.1); c.930_931dup, p.Lys311fs (NM_145796.4); c.1056_1057dup, p.Lys353fs (NM_207171.2); short protein forms K311fs, K344fs, K353fs, K397fs, K406fs, K413fs.
Identifiers: ClinVar variation 3236556 (VCV003236556.1), dbSNP rs2529441903, ClinGen allele CA2825000849.
Genomic context (GRCh38, chr1:151,424,255, plus strand): 5'-GGGGATGGGGGCTTTGCTGCTGATGGGACACTGGGTTCTGAATCCAGGGACTTTCCTTTC[T>TTC]TCTGGTATTCAACCATTTCTGGGCAACAGTACTATAAAGAAAGACATCTGATCATTCTGG-3'